The following is an entry in ClinVar:

ClinVar aggregate classification (germline): Likely benign (0 of 4 stars; one submission).

Conditions:
MUC16-related disorder. Also called: MUC16-related condition.

Allele frequency attached by ClinVar (database versions not stated): gnomAD exomes 0.00024; 1000 Genomes Project 30x 0.00031.

Submission:

PreventionGenetics, part of Exact Sciences
Classification: Likely benign for MUC16-related condition. Last evaluated: 2019-10-28. Review status: no assertion criteria provided. Collection method: clinical testing. Allele origin: germline.
Comment: This variant is classified as likely benign based on ACMG/AMP sequence variant interpretation guidelines (Richards et al. 2015 PMID: 25741868, with internal and published modifications).

NM_001401501.2(MUC16):c.38814C>A (p.Gly12938=)

Gene: MUC16 (mucin 16, cell surface associated; minus strand). Cytogenetic location: 19p13.2.
Variant type: single nucleotide variant.
Coding change: c.38814C>A on transcript NM_001401501.2 (MANE Select); coding-DNA position 38814, C replaced by A.
Protein change: p.Gly12938=; no amino-acid change (glycine 12938 retained).
Molecular consequence: synonymous variant.
Genome position (GRCh38, 1-based): chr19:8,902,140, G>T on the plus strand (C>A on the coding strand, the complement: MUC16 is on the minus strand). VCF-style: chr19-8902140-G-T. GRCh37 (hg19) VCF-style: chr19-9012816-G-T.
Other names: c.39240C>A, p.Gly13080= (NM_001414686.1); c.38694C>A, p.Gly12898= (NM_001414687.1); c.38628C>A, p.Gly12876= (NM_024690.2).
Identifiers: ClinVar variation 3059457 (VCV003059457.2), dbSNP rs771383463, ClinGen allele CA9164469.